The following is an entry in ClinVar:

NM_138576.4(BCL11B):c.1558C>G (p.His520Asp)

Gene: BCL11B (BCL11 transcription factor B; minus strand). Cytogenetic location: 14q32.2.
Variant type: single nucleotide variant.
Coding change: c.1558C>G on transcript NM_138576.4 (MANE Select); coding-DNA position 1558, C replaced by G.
Protein change: p.His520Asp; replaces histidine 520 with aspartic acid.
Molecular consequence: missense variant.
Genome position (GRCh38, 1-based): chr14:99,175,278, G>C on the plus strand (C>G on the coding strand, the complement: BCL11B is on the minus strand). VCF-style: chr14-99175278-G-C. GRCh37 (hg19) VCF-style: chr14-99641615-G-C.
Other names: c.1555C>G, p.His519Asp (NM_001282237.2); c.1342C>G, p.His448Asp (NM_001282238.2); c.1345C>G, p.His449Asp (NM_022898.3); short protein forms H520D, H519D, H448D, H449D.
Identifiers: ClinVar variation 2007041 (VCV002007041.4), dbSNP rs2503645129, ClinGen allele CA390935117.

ClinVar aggregate classification (germline): Uncertain significance (1 of 4 stars; one submission).

Submission:

Labcorp Genetics (formerly Invitae), Labcorp
Classification: Uncertain significance. Last evaluated: 2022-09-27. Review status: criteria provided, single submitter. Criteria: Invitae Variant Classification Sherloc (09022015). Collection method: clinical testing. Allele origin: germline.
Comment: This sequence change replaces histidine, which is basic and polar, with aspartic acid, which is acidic and polar, at codon 520 of the BCL11B protein (p.His520Asp). This variant is not present in population databases (gnomAD no frequency). This variant has not been reported in the literature in individuals affected with BCL11B-related conditions. Algorithms developed to predict the effect of missense changes on protein structure and function (SIFT, PolyPhen-2, Align-GVGD) all suggest that this variant is likely to be tolerated. In summary, the available evidence is currently insufficient to determine the role of this variant in disease. Therefore, it has been classified as a Variant of Uncertain Significance.